The following is an entry in ClinVar:

NM_020937.4(FANCM):c.5387C>T (p.Ser1796Phe)

Gene: FANCM (FA complementation group M; plus strand). Cytogenetic location: 14q21.2.
Variant type: single nucleotide variant.
Coding change: c.5387C>T on transcript NM_020937.4 (MANE Select); coding-DNA position 5387, C replaced by T.
Protein change: p.Ser1796Phe; replaces serine 1796 with phenylalanine.
Molecular consequence: missense variant.
Genome position (GRCh38, 1-based): chr14:45,196,218, C>T. VCF-style: chr14-45196218-C-T. GRCh37 (hg19) VCF-style: chr14-45665421-C-T.
Other names: c.5309C>T, p.Ser1770Phe (NM_001308133.2); short protein forms S1770F, S1796F.
Identifiers: ClinVar variation 946505 (VCV000946505.10), dbSNP rs1275681669, ClinGen allele CA389585642.
Genomic context (GRCh38, chr14:45,196,218, plus strand): 5'-TTCCACTTTTTCAGGATGGTAGTGCTTTGGAGGATTCTAGCACTTCAGGGGCATCCTGTT[C>T]CAAGTCAAGACCACATTTAGCTGGGACACATACTTCTCTTAGACTTCCGCAGGAAGGAAA-3'
Protein context (NP_065988.1, residues 1786-1806): EDSSTSGASC[Ser1796Phe]KSRPHLAGTH

ClinVar aggregate classification (germline): Uncertain significance. Review status: criteria provided, multiple submitters, no conflicts (2 of 4 stars). 2 submissions from 2 submitters: Uncertain significance (2). Last evaluated 2025-10-26.

Conditions:
Fanconi anemia (FA). Also called: Fanconi's anemia. Identifiers: Orphanet 84, MedGen C0015625, MeSH D005199, MONDO:0019391.
Spermatogenic failure 28. Identifiers: MedGen C4748117, MONDO:0054732, OMIM 618086.
Premature ovarian failure 15. Identifiers: MedGen C4748170, MONDO:0054862, OMIM 618096.

Submissions (2):

Labcorp Genetics (formerly Invitae), Labcorp
Classification: Uncertain significance for Fanconi anemia. Last evaluated: 2025-10-26. Review status: criteria provided, single submitter. Criteria: Invitae Variant Classification Sherloc (09022015). Collection method: clinical testing. Allele origin: germline.
Comment: This sequence change replaces serine, which is neutral and polar, with phenylalanine, which is neutral and non-polar, at codon 1796 of the FANCM protein (p.Ser1796Phe). This variant is not present in population databases (gnomAD no frequency). This variant has not been reported in the literature in individuals affected with FANCM-related conditions. ClinVar contains an entry for this variant (Variation ID: 946505). An algorithm developed to predict the effect of missense changes on protein structure and function outputs the following: PolyPhen-2: "Probably Damaging". The phenylalanine amino acid residue is found in multiple mammalian species, which suggests that this missense change does not adversely affect protein function. In summary, the available evidence is currently insufficient to determine the role of this variant in disease. Therefore, it has been classified as a Variant of Uncertain Significance.

Fulgent Genetics
Classification: Uncertain significance for Spermatogenic failure 28; Premature ovarian failure 15. Last evaluated: 2022-05-10. Review status: criteria provided, single submitter. Criteria: ACMG Guidelines, 2015. Collection method: clinical testing. Allele origin: unknown.